The following is an entry in ClinVar:

ClinVar aggregate classification (germline): Uncertain significance (1 of 4 stars; one submission).

Conditions:
Cardiovascular phenotype. Identifiers: MedGen CN230736.
Hereditary cancer-predisposing syndrome. Also called: Hereditary Cancer Syndrome; Hereditary neoplastic syndrome; Neoplastic Syndromes, Hereditary; Tumor predisposition. Identifiers: Orphanet 140162, MedGen C0027672, MeSH D009386, MONDO:0015356.

Submission:

Ambry Genetics
Classification: Uncertain significance for Cardiovascular phenotype; Hereditary cancer-predisposing syndrome. Last evaluated: 2026-07-16. Review status: criteria provided, single submitter. Criteria: Ambry Variant Classification Scheme 2023. Collection method: clinical testing. Allele origin: germline.
Comment: The p.I2384T variant (also known as c.7151T>C), located in coding exon 48 of the NF1 gene, results from a T to C substitution at nucleotide position 7151. The isoleucine at codon 2384 is replaced by threonine, an amino acid with similar properties. This amino acid position is not well conserved in available vertebrate species. In addition, this alteration is predicted to be tolerated by in silico analysis. Since supporting evidence is limited at this time, the clinical significance of this alteration remains unclear.

NM_001042492.3(NF1):c.7214T>C (p.Ile2405Thr)

Gene: NF1 (neurofibromin 1; plus strand). Cytogenetic location: 17q11.2.
Variant type: single nucleotide variant.
Coding change: c.7214T>C on transcript NM_001042492.3 (MANE Select); coding-DNA position 7214, T replaced by C.
Protein change: p.Ile2405Thr; replaces isoleucine 2405 with threonine.
Molecular consequence: missense variant.
Genome position (GRCh38, 1-based): chr17:31,349,144, T>C. VCF-style: chr17-31349144-T-C. GRCh37 (hg19) VCF-style: chr17-29676162-T-C.
Other names: c.7151T>C, p.Ile2384Thr (NM_000267.4); short protein forms I2405T, I2384T.
Identifiers: ClinVar variation 1757399 (VCV001757399.3), dbSNP rs2151572542, ClinGen allele CA399016702.